The following is an entry in ClinVar:

NM_000053.4(ATP7B):c.2182A>G (p.Asn728Asp)

Gene: ATP7B (ATPase copper transporting beta; minus strand). Cytogenetic location: 13q14.3.
Variant type: single nucleotide variant.
Coding change: c.2182A>G on transcript NM_000053.4 (MANE Select); coding-DNA position 2182, A replaced by G.
Protein change: p.Asn728Asp; replaces asparagine 728 with aspartic acid.
Molecular consequence: missense variant. On other transcripts: intron variant (2).
Genome position (GRCh38, 1-based): chr13:51,958,484, T>C on the plus strand (A>G on the coding strand, the complement: ATP7B is on the minus strand). VCF-style: chr13-51958484-T-C. GRCh37 (hg19) VCF-style: chr13-52532620-T-C.
Other names: c.1849A>G, p.Asn617Asp (NM_001243182.2); c.1930A>G, p.Asn644Asp (NM_001330579.2, NM_001406531.1, NM_001406532.1 and 1 more transcripts); c.2182A>G, p.Asn728Asp (NM_001406511.1, NM_001406512.1, NM_001406513.1 and 7 more transcripts); c.2149A>G, p.Asn717Asp (NM_001406514.1); c.2086A>G, p.Asn696Asp (NM_001406517.1, NM_001406518.1); c.1753A>G, p.Asn585Asp (NM_001406539.1); c.1834A>G, p.Asn612Asp (NM_001406543.1); c.1870-877A>G (NM_001005918.3); and 1 more; short protein forms N728D, N617D, N644D, N585D, N612D, N717D, N696D.
Identifiers: ClinVar variation 2072346 (VCV002072346.7), dbSNP rs1459023925, ClinGen allele CA388022952.

ClinVar aggregate classification (germline): Conflicting classifications of pathogenicity. Review status: criteria provided, conflicting classifications (1 of 4 stars). 3 submissions from 3 submitters: Likely pathogenic (1); Uncertain significance (2). Last evaluated 2024-10-01.

Conditions:
Wilson disease (WND). Also called: Wilson's disease. Identifiers: Orphanet 905, MedGen C0019202, MONDO:0010200, OMIM 277900. Disease mechanism: loss of function.

Allele frequency attached by ClinVar (database versions not stated): gnomAD exomes below 0.00001; gnomAD 0.00001.
gnomAD v4.1: 2 of 1,614,074 alleles (0.00012%); highest among the groups gnomAD compares: Non-Finnish European, 0.00017%; no homozygotes.

Submissions (3):

All of Us Research Program, National Institutes of Health
Classification: Uncertain significance for Wilson disease. Last evaluated: 2024-10-01. Review status: criteria provided, single submitter. Criteria: ACMG Guidelines, 2015. Collection method: clinical testing. Allele origin: germline. Inheritance: Autosomal recessive inheritance. Observed: 2 variant alleles, 2 heterozygotes.
Comment: This missense variant replaces asparagine with aspartic acid at codon 728 of the ATP7B protein. Computational prediction suggests that this variant may have deleterious impact on protein structure and function (internally defined REVEL score threshold >= 0.7, PMID: 27666373). To our knowledge, functional studies have not been reported for this variant. This variant has not been reported in individuals affected with ATP7B-related disorders in the literature. This variant has been identified in 1/249578 chromosomes in the general population by the Genome Aggregation Database (gnomAD). A different missense variant occurring at the same codon, p.Asn728Ser, is known to cause disease (ClinVar variation ID: 1453527), indicating that asparagine at this position is important for ATP7B protein function. Due to the insufficient variant-specific clinical and functional data, the role of p.Asn728Asp variant in disease cannot be determined conclusively. Therefore, this variant is classified as a Variant of Uncertain Significance.

This study involves interpretation of variants in research participants for the purpose of population health screening. Participant phenotype was not available at the time of variant classification. Additional details can be found in publication PMID: 35346344, PMCID: PMC8962531

Color Diagnostics, LLC DBA Color Health
Classification: Uncertain significance for Wilson disease. Last evaluated: 2023-09-11. Review status: criteria provided, single submitter. Criteria: ACMG Guidelines, 2015. Collection method: clinical testing. Allele origin: germline.
Comment: This missense variant replaces asparagine with aspartic acid at codon 728 of the ATP7B protein. Computational prediction suggests that this variant may have deleterious impact on protein structure and function. To our knowledge, functional studies have not been reported for this variant. This variant has not been reported in individuals affected with ATP7B-related disorders in the literature. This variant has been identified in 1/249578 chromosomes in the general population by the Genome Aggregation Database (gnomAD). A different missense variant occurring at the same codon, p.Asn728Ser, is known to cause disease (ClinVar variation ID: 1453527), indicating that asparagine at this position is important for ATP7B protein function. Due to the insufficient variant-specific clinical and functional data, the role of p.Asn728Asp variant in disease cannot be determined conclusively. Therefore, this variant is classified as a Variant of Uncertain Significance.

Labcorp Genetics (formerly Invitae), Labcorp
Classification: Likely pathogenic for Wilson disease. Last evaluated: 2023-01-31. Review status: criteria provided, single submitter. Criteria: Invitae Variant Classification Sherloc (09022015). Collection method: clinical testing. Allele origin: germline.
Comment: This sequence change replaces asparagine, which is neutral and polar, with aspartic acid, which is acidic and polar, at codon 728 of the ATP7B protein (p.Asn728Asp). This variant is present in population databases (no rsID available, gnomAD 0.0009%). This variant has not been reported in the literature in individuals affected with ATP7B-related conditions. Advanced modeling of protein sequence and biophysical properties (such as structural, functional, and spatial information, amino acid conservation, physicochemical variation, residue mobility, and thermodynamic stability) performed at Invitae indicates that this missense variant is expected to disrupt ATP7B protein function. This variant disrupts the p.Asn728 amino acid residue in ATP7B. Other variant(s) that disrupt this residue have been determined to be pathogenic (PMID: 26253413, 30120852). This suggests that this residue is clinically significant, and that variants that disrupt this residue are likely to be disease-causing. In summary, the currently available evidence indicates that the variant is pathogenic, but additional data are needed to prove that conclusively. Therefore, this variant has been classified as Likely Pathogenic.

Literature cited by the submitters: PubMed 26253413 (cited by Labcorp Genetics (formerly Invitae), Labcorp); PubMed 30120852 (cited by Labcorp Genetics (formerly Invitae), Labcorp).